The following is an entry in ClinVar:

ClinVar aggregate classification (germline): Uncertain significance (1 of 4 stars; one submission).

Allele frequency attached by ClinVar (database versions not stated): gnomAD exomes below 0.00001.
gnomAD v4.1: 1 of 1,612,892 alleles (0.000062%); no homozygotes.

Submission:

GeneDx
Classification: Uncertain significance. Last evaluated: 2019-02-06. Review status: criteria provided, single submitter. Criteria: GeneDx Variant Classification Process June 2021. Collection method: clinical testing. Allele origin: germline. Affected: yes.
Comment: Not observed in large population cohorts (Lek et al., 2016; McVean et al., 2012; Exome Variant Server); In silico analysis, which includes protein predictors and evolutionary conservation, supports that this variant does not alter protein structure/function; Has not been previously published as pathogenic or benign to our knowledge

NM_001458.5(FLNC):c.7330G>T (p.Val2444Leu)

Genes: FLNC (filamin C; plus strand), FLNC-AS1 (FLNC antisense RNA 1; minus strand). Cytogenetic location: 7q32.1.
Variant type: single nucleotide variant.
Coding change: c.7330G>T on transcript NM_001458.5 (MANE Select); coding-DNA position 7330, G replaced by T.
Protein change: p.Val2444Leu; replaces valine 2444 with leucine.
Molecular consequence: missense variant.
Genome position (GRCh38, 1-based): chr7:128,856,596, G>T. VCF-style: chr7-128856596-G-T. GRCh37 (hg19) VCF-style: chr7-128496650-G-T.
Other names: c.7231G>T, p.Val2411Leu (NM_001127487.2); short protein forms V2411L, V2444L.
Identifiers: ClinVar variation 1305291 (VCV001305291.2), dbSNP rs267601279, ClinGen allele CA369216811.